The following is an entry in ClinVar:

NM_001144967.3(NEDD4L):c.754C>T (p.Arg252Cys)

Gene: NEDD4L (NEDD4 like E3 ubiquitin protein ligase; plus strand). Cytogenetic location: 18q21.31.
Variant type: single nucleotide variant.
Coding change: c.754C>T on transcript NM_001144967.3 (MANE Select); coding-DNA position 754, C replaced by T.
Protein change: p.Arg252Cys; replaces arginine 252 with cysteine.
Molecular consequence: missense variant.
Genome position (GRCh38, 1-based): chr18:58,329,068, C>T. VCF-style: chr18-58329068-C-T. GRCh37 (hg19) VCF-style: chr18-55996300-C-T.
Other names: c.391C>T, p.Arg131Cys (NM_001144964.1, NM_001144965.2, NM_001144966.3 and 2 more transcripts); c.730C>T, p.Arg244Cys (NM_001144968.2, NM_001144969.2); c.754C>T, p.Arg252Cys (NM_001243960.2, NM_015277.6); short protein forms R131C, R244C, R252C.
Identifiers: ClinVar variation 1032676 (VCV001032676.4), dbSNP rs2059568312, ClinGen allele CA402554509.
Genomic context (GRCh38, chr18:58,329,068, plus strand): 5'-GAGTCGGACAATAACATCAGACAGATCAACCAGGAGGCAGCACACCGGCGCTTCCGCTCC[C>T]GCAGGCACATCAGCGAAGACTTGGAGCCCGAGCCCTCGGAGGGCGGGGATGTCCCCGAGG-3'
Protein context (NP_001138439.1, residues 242-262): QEAAHRRFRS[Arg252Cys]RHISEDLEPE

ClinVar aggregate classification (germline): Uncertain significance. Review status: criteria provided, multiple submitters, no conflicts (2 of 4 stars). 2 submissions from 2 submitters: Uncertain significance (2). Last evaluated 2023-05-11.

Conditions:
Periventricular nodular heterotopia 7 (PVNH7). Identifiers: MedGen C4310669, MONDO:0014966, OMIM 617201.

Submissions (2):

Labcorp Genetics (formerly Invitae), Labcorp
Classification: Uncertain significance. Last evaluated: 2023-05-11. Review status: criteria provided, single submitter. Criteria: Invitae Variant Classification Sherloc (09022015). Collection method: clinical testing. Allele origin: germline.
Comment: In summary, the available evidence is currently insufficient to determine the role of this variant in disease. Therefore, it has been classified as a Variant of Uncertain Significance. This sequence change replaces arginine, which is basic and polar, with cysteine, which is neutral and slightly polar, at codon 252 of the NEDD4L protein (p.Arg252Cys). This variant is not present in population databases (gnomAD no frequency). This variant has not been reported in the literature in individuals affected with NEDD4L-related conditions. ClinVar contains an entry for this variant (Variation ID: 1032676). Advanced modeling of protein sequence and biophysical properties (such as structural, functional, and spatial information, amino acid conservation, physicochemical variation, residue mobility, and thermodynamic stability) performed at Invitae indicates that this missense variant is not expected to disrupt NEDD4L protein function.

Baylor Genetics
Classification: Uncertain significance for Periventricular nodular heterotopia 7. Last evaluated: 2018-06-29. Review status: criteria provided, single submitter. Criteria: ACMG Guidelines, 2015. Collection method: clinical testing. Allele origin: unknown. Affected: yes.
Comment: This variant was determined to be of uncertain significance according to ACMG Guidelines, 2015 [PMID:25741868].